The following is an entry in ClinVar:

NM_000394.4(CRYAA):c.508G>A (p.Ala170Thr)

Gene: CRYAA (crystallin alpha A; plus strand). Cytogenetic location: 21q22.3.
Variant type: single nucleotide variant.
Coding change: c.508G>A on transcript NM_000394.4 (MANE Select); coding-DNA position 508, G replaced by A.
Protein change: p.Ala170Thr; replaces alanine 170 with threonine.
Molecular consequence: missense variant.
Genome position (GRCh38, 1-based): chr21:43,172,266, G>A. VCF-style: chr21-43172266-G-A. GRCh37 (hg19) VCF-style: chr21-44592376-G-A.
Other names: c.397G>A, p.Ala133Thr (NM_001363766.1); short protein forms A133T, A170T.
Identifiers: ClinVar variation 1366904 (VCV001366904.6), dbSNP rs1227057051, ClinGen allele CA410606117.

ClinVar aggregate classification (germline): Uncertain significance (1 of 4 stars; one submission).

Conditions:
Cataract 9 multiple types. Also called: Cataract 9, multiple types, with or without microcornea; Cataract, autosomal recessive congenital 1. Identifiers: Orphanet 1377, MedGen C1858679, MONDO:0011413, OMIM 604219.

Allele frequency attached by ClinVar (database versions not stated): gnomAD exomes 0.00001.

Submission:

Labcorp Genetics (formerly Invitae), Labcorp
Classification: Uncertain significance for Cataract 9 multiple types. Last evaluated: 2022-07-06. Review status: criteria provided, single submitter. Criteria: Invitae Variant Classification Sherloc (09022015). Collection method: clinical testing. Allele origin: germline.
Comment: In summary, the available evidence is currently insufficient to determine the role of this variant in disease. Therefore, it has been classified as a Variant of Uncertain Significance. Algorithms developed to predict the effect of missense changes on protein structure and function (SIFT, PolyPhen-2, Align-GVGD) all suggest that this variant is likely to be tolerated. ClinVar contains an entry for this variant (Variation ID: 1366904). This variant has not been reported in the literature in individuals affected with CRYAA-related conditions. The frequency data for this variant in the population databases is considered unreliable, as metrics indicate poor data quality at this position in the gnomAD database. This sequence change replaces alanine, which is neutral and non-polar, with threonine, which is neutral and polar, at codon 170 of the CRYAA protein (p.Ala170Thr).